The following is an entry in ClinVar:

ClinVar aggregate classification (germline): Uncertain significance. Review status: criteria provided, multiple submitters, no conflicts (2 of 4 stars). 2 submissions from 2 submitters: Uncertain significance (2). Last evaluated 2023-10-28.

Conditions:
Walker-Warburg congenital muscular dystrophy. Also called: Muscular dystrophy-dystroglycanopathy, type A; Walker-Warburg syndrome. Identifiers: Orphanet 899, MedGen C0265221, MONDO:0000171.
Autosomal recessive limb-girdle muscular dystrophy type 2K. Also called: MUSCULAR DYSTROPHY, LIMB-GIRDLE, TYPE 2K; MUSCULAR DYSTROPHY-DYSTROGLYCANOPATHY (LIMB-GIRDLE), TYPE C, 1. Identifiers: Orphanet 86812, MedGen C1836373, MONDO:0012248, OMIM 609308.
Muscular dystrophy-dystroglycanopathy (congenital with impaired intellectual development), type B, 1. Also called: MUSCULAR DYSTROPHY, CONGENITAL, POMT1-RELATED; Muscular dystrophy-dystroglycanopathy (congenital with intellectual disability), type B1. Identifiers: MedGen C5436962, MONDO:0013159, OMIM 613155.
Inborn genetic diseases. Identifiers: MedGen C0950123, MeSH D030342.

Allele frequency attached by ClinVar (database versions not stated): gnomAD 0.00001; gnomAD exomes below 0.00001; TOPMed 0.00001.
gnomAD v4.1: 5 of 1,613,854 alleles (0.00031%); highest among the groups gnomAD compares: African/African-American, 0.0027%; no homozygotes.

Submissions (2):

Ambry Genetics
Classification: Uncertain significance for Inborn genetic diseases. Last evaluated: 2023-10-28. Review status: criteria provided, single submitter. Criteria: Ambry Variant Classification Scheme 2023. Collection method: clinical testing. Allele origin: germline.

Labcorp Genetics (formerly Invitae), Labcorp
Classification: Uncertain significance for Muscular dystrophy-dystroglycanopathy (congenital with impaired intellectual development), type B, 1; Walker-Warburg congenital muscular dystrophy; Autosomal recessive limb-girdle muscular dystrophy type 2K. Last evaluated: 2021-08-30. Review status: criteria provided, single submitter. Criteria: Invitae Variant Classification Sherloc (09022015). Collection method: clinical testing. Allele origin: germline.
Comment: This sequence change replaces valine with isoleucine at codon 494 of the POMT1 protein (p.Val494Ile). The valine residue is highly conserved and there is a small physicochemical difference between valine and isoleucine. This variant is not present in population databases (ExAC no frequency). This variant has not been reported in the literature in individuals affected with POMT1-related conditions. Algorithms developed to predict the effect of missense changes on protein structure and function output the following: SIFT: "Deleterious"; PolyPhen-2: "Benign"; Align-GVGD: "Class C25". The isoleucine amino acid residue is found in multiple mammalian species, which suggests that this missense change does not adversely affect protein function. In summary, the available evidence is currently insufficient to determine the role of this variant in disease. Therefore, it has been classified as a Variant of Uncertain Significance.

NM_001077365.2(POMT1):c.1414G>A (p.Val472Ile)

Gene: POMT1 (protein O-mannosyltransferase 1; plus strand). Cytogenetic location: 9q34.13.
Variant type: single nucleotide variant.
Coding change: c.1414G>A on transcript NM_001077365.2 (MANE Select); coding-DNA position 1414, G replaced by A.
Protein change: p.Val472Ile; replaces valine 472 with isoleucine.
Molecular consequence: missense variant. On other transcripts: non-coding transcript variant (10), intron variant (1).
Genome position (GRCh38, 1-based): chr9:131,518,885, G>A. VCF-style: chr9-131518885-G-A. GRCh37 (hg19) VCF-style: chr9-134394272-G-A.
Other names: c.1252G>A, p.Val418Ile (NM_001077366.2, NM_001353194.2); c.1414G>A, p.Val472Ile (NM_001136113.2); c.1063G>A, p.Val355Ile (NM_001136114.2, NM_001353195.2, NM_001374691.1 and 2 more transcripts); c.1480G>A, p.Val494Ile (NM_001353193.2, NM_007171.4); c.1324G>A, p.Val442Ile (NM_001353196.2); c.1318G>A, p.Val440Ile (NM_001353197.2, NM_001353198.2); c.1129G>A, p.Val377Ile (NM_001353199.2); c.958G>A, p.Val320Ile (NM_001353200.2); and 4 more; short protein forms V355I, V377I, V472I, V418I, V494I, V342I, V468I, V320I.
Identifiers: ClinVar variation 1426737 (VCV001426737.6), dbSNP rs943420374, ClinGen allele CA200795161.